The following is an entry in ClinVar:

NM_001351132.2(PEX5):c.1917G>C (p.Gln639His)

Gene: PEX5 (peroxisomal biogenesis factor 5; plus strand). Cytogenetic location: 12p13.31.
Variant type: single nucleotide variant.
Coding change: c.1917G>C on transcript NM_001351132.2 (MANE Select); coding-DNA position 1917, G replaced by C.
Protein change: p.Gln639His; replaces glutamine 639 with histidine.
Molecular consequence: missense variant.
Genome position (GRCh38, 1-based): chr12:7,210,220, G>C. VCF-style: chr12-7210220-G-C. GRCh37 (hg19) VCF-style: chr12-7362816-G-C.
Other names: c.1893G>C, p.Gln631His (NM_000319.5); c.1962G>C, p.Gln654His (NM_001131023.2); c.1806G>C, p.Gln602His (NM_001131024.2, NM_001351124.3, NM_001351126.2 and 7 more transcripts); c.1917G>C, p.Gln639His (NM_001131025.2, NM_001131026.2, NM_001300789.3 and 4 more transcripts); c.1851G>C, p.Gln617His (NM_001351135.3, NM_001351138.2); c.1908G>C, p.Gln636His (NM_001351136.2); c.1782G>C, p.Gln594His (NM_001351139.2, NM_001351140.2, NM_001374649.2); short protein forms Q594H, Q639H, Q636H, Q602H, Q617H, Q631H, Q654H.
Identifiers: ClinVar variation 1450643 (VCV001450643.5), dbSNP rs1271426444, ClinGen allele CA383741067.

ClinVar aggregate classification (germline): Uncertain significance. Review status: criteria provided, multiple submitters, no conflicts (2 of 4 stars). 2 submissions from 2 submitters: Uncertain significance (2). Last evaluated 2026-08-06.

Conditions:
Rhizomelic chondrodysplasia punctata type 5 (RCDP5). Identifiers: Orphanet 468717, MedGen C4225237, MONDO:0014743, OMIM 616716.
Peroxisome biogenesis disorder 2B (PBD2B). Identifiers: Orphanet 44, MedGen C3550234, MONDO:0008736, OMIM 202370.

Allele frequency attached by ClinVar (database versions not stated): gnomAD 0.00001; TOPMed 0.00002.
gnomAD v4.1: 2 of 1,613,736 alleles (0.00012%); highest among the groups gnomAD compares: Admixed American, 0.0017%; no homozygotes.

Submissions (2):

OLLIN Analises Genomicas, OLLIN
Classification: Uncertain significance for Rhizomelic chondrodysplasia punctata type 5. Last evaluated: 2026-08-06. Review status: criteria provided, single submitter. Criteria: ACMG Guidelines 2015 PMID 25741868. Collection method: clinical testing. Allele origin: germline.
Comment: This missense variant, located in exon 16 (of 16), has been reported in ClinVar (accession VCV001450643.4) and in gnomAD with an allele frequency of 0.00012%. However, to our knowledge, it has not been reported in the scientific literature. In silico analysis is inconclusive regarding the impact of this variant. According to the currently available evidence, this variant has been classified as uncertain significance (PM2_P).

Labcorp Genetics (formerly Invitae), Labcorp
Classification: Uncertain significance for Peroxisome biogenesis disorder 2B. Last evaluated: 2024-11-05. Review status: criteria provided, single submitter. Criteria: Invitae Variant Classification Sherloc (09022015). Collection method: clinical testing. Allele origin: germline.
Comment: This sequence change replaces glutamine, which is neutral and polar, with histidine, which is basic and polar, at codon 639 of the PEX5 protein (p.Gln639His). This variant is not present in population databases (gnomAD no frequency). This variant has not been reported in the literature in individuals affected with PEX5-related conditions. ClinVar contains an entry for this variant (Variation ID: 1450643). An algorithm developed to predict the effect of missense changes on protein structure and function (PolyPhen-2) suggests that this variant is likely to be disruptive. In summary, the available evidence is currently insufficient to determine the role of this variant in disease. Therefore, it has been classified as a Variant of Uncertain Significance.